The following is an entry in ClinVar:

ClinVar aggregate classification (germline): Uncertain significance. Review status: criteria provided, multiple submitters, no conflicts (2 of 4 stars). 3 submissions from 3 submitters: Uncertain significance (3). Last evaluated 2025-11-05.

Conditions:
Hereditary cancer-predisposing syndrome. Also called: Neoplastic Syndromes, Hereditary; Tumor predisposition; Hereditary Cancer Syndrome; Hereditary neoplastic syndrome. Identifiers: Orphanet 140162, MedGen C0027672, MeSH D009386, MONDO:0015356.
Colorectal cancer. Also called: Colorectal cancer, somatic; Malignant Colorectal Neoplasm. Identifiers: MedGen C0346629, MONDO:0005575, OMIM 114500.
Oligodontia-cancer predisposition syndrome. Also called: TOOTH AGENESIS-COLORECTAL CANCER SYNDROME. Identifiers: Orphanet 300576, MedGen C1837750, MONDO:0012075, OMIM 608615. Disease mechanism: loss of function.

Allele frequency attached by ClinVar (database versions not stated): gnomAD 0.00001 and 0.00002; ExAC 0.00002; gnomAD exomes 0.00002; 1000 Genomes Project 30x 0.00016; 1000 Genomes Project 0.00020.
gnomAD v4.1: 32 of 1,614,188 alleles (0.002%); highest among the groups gnomAD compares: South Asian, 0.0055%; no homozygotes.

Submissions (3):

Labcorp Genetics (formerly Invitae), Labcorp
Classification: Uncertain significance for Oligodontia-cancer predisposition syndrome. Last evaluated: 2025-11-05. Review status: criteria provided, single submitter. Criteria: Invitae Variant Classification Sherloc (09022015). Collection method: clinical testing. Allele origin: germline.
Comment: This sequence change replaces arginine, which is basic and polar, with glutamine, which is neutral and polar, at codon 834 of the AXIN2 protein (p.Arg834Gln). This variant is present in population databases (rs199838262, gnomAD 0.009%). This variant has not been reported in the literature in individuals affected with AXIN2-related conditions. ClinVar contains an entry for this variant (Variation ID: 641425). Invitae Evidence Modeling of protein sequence and biophysical properties (such as structural, functional, and spatial information, amino acid conservation, physicochemical variation, residue mobility, and thermodynamic stability) indicates that this missense variant is not expected to disrupt AXIN2 protein function with a negative predictive value of 80%. In summary, the available evidence is currently insufficient to determine the role of this variant in disease. Therefore, it has been classified as a Variant of Uncertain Significance.

Ambry Genetics
Classification: Uncertain significance for Hereditary cancer-predisposing syndrome. Last evaluated: 2024-12-06. Review status: criteria provided, single submitter. Criteria: Ambry Variant Classification Scheme 2023. Collection method: clinical testing. Allele origin: germline.
Comment: The p.R834Q variant (also known as c.2501G>A), located in coding exon 10 of the AXIN2 gene, results from a G to A substitution at nucleotide position 2501. The arginine at codon 834 is replaced by glutamine, an amino acid with highly similar properties. This amino acid position is not well conserved in available vertebrate species. In addition, the in silico prediction for this alteration is inconclusive. Since supporting evidence is limited at this time, the clinical significance of this alteration remains unclear.

Baylor Genetics
Classification: Uncertain significance for Colorectal cancer. Last evaluated: 2023-07-12. Review status: criteria provided, single submitter. Criteria: ACMG Guidelines, 2015. Collection method: clinical testing. Allele origin: unknown.

NM_004655.4(AXIN2):c.2501G>A (p.Arg834Gln)

Gene: AXIN2 (axin 2; minus strand). Cytogenetic location: 17q24.1.
Variant type: single nucleotide variant.
Coding change: c.2501G>A on transcript NM_004655.4 (MANE Select); coding-DNA position 2501, G replaced by A.
Protein change: p.Arg834Gln; replaces arginine 834 with glutamine.
Molecular consequence: missense variant.
Genome position (GRCh38, 1-based): chr17:65,530,007, C>T on the plus strand (G>A on the coding strand, the complement: AXIN2 is on the minus strand). VCF-style: chr17-65530007-C-T. GRCh37 (hg19) VCF-style: chr17-63526125-C-T.
Other names: c.2501G>A (LRG_296t1); c.2306G>A, p.Arg769Gln (NM_001363813.1); short protein forms R769Q, R834Q.
Identifiers: ClinVar variation 641425 (VCV000641425.13), dbSNP rs199838262, ClinGen allele CA8718274.